The following is an entry in ClinVar:

NM_000747.3(CHRNB1):c.611-9C>G

Gene: CHRNB1 (cholinergic receptor nicotinic beta 1 subunit; plus strand). Cytogenetic location: 17p13.1.
Variant type: single nucleotide variant.
Coding change: c.611-9C>G on transcript NM_000747.3 (MANE Select); 9 bases into the intron before coding-DNA position 611, C replaced by G.
Molecular consequence: intron variant.
Genome position (GRCh38, 1-based): chr17:7,448,570, C>G. VCF-style: chr17-7448570-C-G. GRCh37 (hg19) VCF-style: chr17-7351889-C-G.
Identifiers: ClinVar variation 1690747 (VCV001690747.5), dbSNP rs538827412, ClinGen allele CA287425567.
Genomic context (GRCh38, chr17:7,448,570, plus strand): 5'-GCAAGCCATACCTGGCACTAACCAGGACAGCTCTCACATCTGTGTTCCCCTCCTTCTGCT[C>G]ATCCCCAGAGAATGGCCAGTGGGAGATTATCCACAAGCCCTCTCGGCTAATCCAGCCTCC-3'

ClinVar aggregate classification (germline): Conflicting classifications of pathogenicity. Review status: criteria provided, conflicting classifications (1 of 4 stars). 2 submissions from 2 submitters: Uncertain significance (1); Likely benign (1). Last evaluated 2025-10-12.

Conditions:
Congenital myasthenic syndrome 2A. Also called: Myasthenic syndrome, congenital, 2a, slow-channel. Identifiers: Orphanet 590, MedGen C4225374, MONDO:0014581, OMIM 616313.

Submissions (2):

Labcorp Genetics (formerly Invitae), Labcorp
Classification: Likely benign for Congenital myasthenic syndrome 2A. Last evaluated: 2025-10-12. Review status: criteria provided, single submitter. Criteria: Invitae Variant Classification Sherloc (09022015). Collection method: clinical testing. Allele origin: germline.

Laboratorio de Genetica e Diagnostico Molecular, Hospital Israelita Albert Einstein
Classification: Uncertain significance. Last evaluated: 2019-12-16. Review status: criteria provided, single submitter. Criteria: ACMG Guidelines, 2015. Collection method: clinical testing. Allele origin: germline. Affected: yes.
Comment: ACMG classification criteria: PM2